The following is an entry in ClinVar:

ClinVar aggregate classification (germline): Uncertain significance (1 of 4 stars; one submission).

Allele frequency attached by ClinVar (database versions not stated): ExAC 0.00002; gnomAD exomes 0.00002; TOPMed 0.00004; gnomAD 0.00005.
gnomAD v4.1: 35 of 1,613,828 alleles (0.0022%); highest among the groups gnomAD compares: African/African-American, 0.0093%; no homozygotes.

Submission:

Labcorp Genetics (formerly Invitae), Labcorp
Classification: Uncertain significance. Last evaluated: 2024-02-15. Review status: criteria provided, single submitter. Criteria: Invitae Variant Classification Sherloc (09022015). Collection method: clinical testing. Allele origin: germline.
Comment: This sequence change replaces arginine, which is basic and polar, with histidine, which is basic and polar, at codon 3137 of the VCAN protein (p.Arg3137His). This variant is present in population databases (rs775271655, gnomAD 0.007%). This variant has not been reported in the literature in individuals affected with VCAN-related conditions. ClinVar contains an entry for this variant (Variation ID: 1001386). An algorithm developed to predict the effect of missense changes on protein structure and function (PolyPhen-2) suggests that this variant is likely to be disruptive. In summary, the available evidence is currently insufficient to determine the role of this variant in disease. Therefore, it has been classified as a Variant of Uncertain Significance.

NM_004385.5(VCAN):c.9410G>A (p.Arg3137His)

Genes: VCAN (versican; plus strand), VCAN-AS1 (VCAN antisense RNA 1; minus strand). Cytogenetic location: 5q14.3.
Variant type: single nucleotide variant.
Coding change: c.9410G>A on transcript NM_004385.5 (MANE Select); coding-DNA position 9410, G replaced by A.
Protein change: p.Arg3137His; replaces arginine 3137 with histidine.
Molecular consequence: missense variant.
Genome position (GRCh38, 1-based): chr5:83,548,001, G>A. VCF-style: chr5-83548001-G-A. GRCh37 (hg19) VCF-style: chr5-82843820-G-A.
Other names: c.1187G>A, p.Arg396His (NM_001126336.3); c.6449G>A, p.Arg2150His (NM_001164097.2); c.4148G>A, p.Arg1383His (NM_001164098.2); short protein forms R1383H, R2150H, R3137H, R396H.
Identifiers: ClinVar variation 1001386 (VCV001001386.6), dbSNP rs775271655, ClinGen allele CA3334001.
Genomic context (GRCh38, chr5:83,548,001, plus strand): 5'-ATTTTGTGAGCTTTTACTATTTTGTTTCAGATTTTGATGAATGTCACTCTAATCCCTGTC[G>A]TAATGGAGCCACTTGTGTTGATGGTTTTAACACATTCAGGTGCCTCTGCCTTCCAAGTTA-3'
Protein context (NP_004376.2, residues 3127-3147): DFDECHSNPC[Arg3137His]NGATCVDGFN